The following is an entry in ClinVar:

NM_006012.4(CLPP):c.23G>T (p.Gly8Val)

Gene: CLPP (caseinolytic mitochondrial matrix peptidase proteolytic subunit; plus strand). Cytogenetic location: 19p13.3.
Variant type: single nucleotide variant.
Coding change: c.23G>T on transcript NM_006012.4 (MANE Select); coding-DNA position 23, G replaced by T.
Protein change: p.Gly8Val; replaces glycine 8 with valine.
Molecular consequence: missense variant.
Genome position (GRCh38, 1-based): chr19:6,361,597, G>T. VCF-style: chr19-6361597-G-T. GRCh37 (hg19) VCF-style: chr19-6361608-G-T.
Other names: short protein forms G8V.
Identifiers: ClinVar variation 1370265 (VCV001370265.8), dbSNP rs1191663713, ClinGen allele CA403585924.

ClinVar aggregate classification (germline): Uncertain significance (1 of 4 stars; one submission).

gnomAD v4.1: 15 of 1,413,414 alleles (0.0011%); highest among the groups gnomAD compares: South Asian, 0.013%; no homozygotes.

Submission:

Labcorp Genetics (formerly Invitae), Labcorp
Classification: Uncertain significance. Last evaluated: 2022-08-23. Review status: criteria provided, single submitter. Criteria: Invitae Variant Classification Sherloc (09022015). Collection method: clinical testing. Allele origin: germline.
Comment: ClinVar contains an entry for this variant (Variation ID: 1370265). In summary, the available evidence is currently insufficient to determine the role of this variant in disease. Therefore, it has been classified as a Variant of Uncertain Significance. Algorithms developed to predict the effect of missense changes on protein structure and function (SIFT, PolyPhen-2, Align-GVGD) all suggest that this variant is likely to be tolerated. This variant has not been reported in the literature in individuals affected with CLPP-related conditions. This variant is not present in population databases (gnomAD no frequency). This sequence change replaces glycine, which is neutral and non-polar, with valine, which is neutral and non-polar, at codon 8 of the CLPP protein (p.Gly8Val).